The following is an entry in ClinVar:

NM_007078.3(LDB3):c.913G>T (p.Ala305Ser)

Gene: LDB3 (LIM domain binding 3; plus strand). Cytogenetic location: 10q23.2.
Variant type: single nucleotide variant.
Coding change: c.913G>T on transcript NM_007078.3 (MANE Select); coding-DNA position 913, G replaced by T.
Protein change: p.Ala305Ser; replaces alanine 305 with serine.
Molecular consequence: missense variant. On other transcripts: intron variant (4).
Genome position (GRCh38, 1-based): chr10:86,706,547, G>T. VCF-style: chr10-86706547-G-T. GRCh37 (hg19) VCF-style: chr10-88466304-G-T.
Other names: c.772G>T, p.Ala258Ser (NM_001368066.1); c.897-3358G>T (NM_001368064.1, NM_001368065.1); c.1101-3358G>T (NM_001171610.2); c.756-3358G>T (NM_001080114.2); short protein forms A305S, A258S.
Identifiers: ClinVar variation 2449070 (VCV002449070.2), dbSNP rs573547650, ClinGen allele CA377446460.
Genomic context (GRCh38, chr10:86,706,547, plus strand): 5'-CTAGGCTCCCTTGACCTGTTGTCTTTTTGGTCCCGCCTCATCAGCACCCCTATTGAGCAT[G>T]CGCCGGTGTGCACCAGCCAGGCCACCACCCCGCTGCTGCCCGCTTCTGCCCAGCCACCTG-3'
Protein context (NP_009009.1, residues 295-315): LRRSSTPIEH[Ala305Ser]PVCTSQATTP

ClinVar aggregate classification (germline): Uncertain significance (1 of 4 stars; one submission).

Conditions:
Cardiovascular phenotype. Identifiers: MedGen CN230736.

Submission:

Ambry Genetics
Classification: Uncertain significance for Cardiovascular phenotype. Last evaluated: 2023-02-13. Review status: criteria provided, single submitter. Criteria: Ambry Variant Classification Scheme 2023. Collection method: clinical testing. Allele origin: germline.
Comment: The p.A305S variant (also known as c.913G>T), located in coding exon 7 of the LDB3 gene, results from a G to T substitution at nucleotide position 913. The alanine at codon 305 is replaced by serine, an amino acid with similar properties. This amino acid position is conserved. In addition, this alteration is predicted to be tolerated by in silico analysis. Since supporting evidence is limited at this time, the clinical significance of this alteration remains unclear.